The following is an entry in ClinVar:

NM_000426.4(LAMA2):c.7750-136C>G

Gene: LAMA2 (laminin subunit alpha 2; plus strand). Cytogenetic location: 6q22.33.
Variant type: single nucleotide variant.
Coding change: c.7750-136C>G on transcript NM_000426.4 (MANE Select); 136 bases into the intron before coding-DNA position 7750, C replaced by G.
Molecular consequence: intron variant.
Genome position (GRCh38, 1-based): chr6:129,486,338, C>G. VCF-style: chr6-129486338-C-G. GRCh37 (hg19) VCF-style: chr6-129807483-C-G.
Other names: c.7738-136C>G (NM_001079823.2).
Identifiers: ClinVar variation 682937 (VCV000682937.1), dbSNP rs6569604, ClinGen allele CA12207998.

ClinVar aggregate classification (germline): Benign (1 of 4 stars; one submission).

Allele frequency attached by ClinVar (database versions not stated): 1000 Genomes Project 0.58367; TOPMed 0.62539; 1000 Genomes Project 30x 0.58026.
gnomAD v4.1: 553,645 of 824,476 alleles (67%); highest among the groups gnomAD compares: Non-Finnish European, 71%; 188,494 homozygotes.

Submission:

GeneDx
Classification: Benign. Last evaluated: 2018-06-14. Review status: criteria provided, single submitter. Criteria: GeneDx Variant Classification (06012015). Collection method: clinical testing. Allele origin: germline. Affected: yes.
Comment: This variant is considered likely benign or benign based on one or more of the following criteria: it is a conservative change, it occurs at a poorly conserved position in the protein, it is predicted to be benign by multiple in silico algorithms, and/or has population frequency not consistent with disease.